The following continues an entry in ClinVar:

NM_000059.4(BRCA2):c.8010G>A (p.Ser2670=)

Gene: BRCA2. ClinVar aggregate classification (germline): Likely benign. Likely benign (1).

Submissions 20 to 23 of 23:

Foulkes Cancer Genetics LDI, Lady Davis Institute for Medical Research
Classification: Likely benign for Breast and/or ovarian cancer. Last evaluated: 2014-03-06. Review status: no assertion criteria provided. Collection method: clinical testing. Allele origin: germline. Study: The Canadian Open Genetics Repository (COGR). Not counted in ClinVar's aggregate classification.

Clinical Genetics DNA and cytogenetics Diagnostics Lab, Erasmus MC, Erasmus Medical Center
Classification: Likely benign. Review status: no assertion criteria provided. Collection method: clinical testing. Allele origin: germline. Affected: yes. Study: VKGL Data-share Consensus. Not counted in ClinVar's aggregate classification.

Department of Pathology and Laboratory Medicine, Sinai Health System
Classification: Likely benign. Review status: no assertion criteria provided. Collection method: clinical testing. Allele origin: unknown. Affected: yes. Observed: 2 variant alleles. Study: The Canadian Open Genetics Repository (COGR). Not counted in ClinVar's aggregate classification.
Comment: The BRCA2 p.Ser2670= variant was identified in 2 of 324 proband chromosomes (frequency: 0.006) from individuals or families with breast or ovarian cancer (Muendlein 2015, Zanella 2017). The variant was also identified in dbSNP (ID: rs146430937) as "With other alleleâ€šÃ„Ã¹, ClinVar (classified as benign by Invitae, GeneDx and Color; as likely benign by 4 submitters; as uncertain significance by Counsyl), COGR, Cosmic (1x in large intestine tissue), and in UMD-LSDB (12x as neutral), databases. In UMD the variant was identified with a co-occurring pathogenic BRCA1 variant (c.3228_3229delAG, p.Gly1077AlafsX8), increasing the likelihood that the p.Ser2670= variant does not have clinical significance. The variant was not identified in BIC Database, ARUP Laboratories, or Zhejiang University databases. The variant was identified in control databases in 16 of 245594 chromosomes at a frequency of 0.00007 (Genome Aggregation Database Feb 27, 2017). The variant was observed in the following populations: European in 14 of 111296 chromosomes (freq: 0.0001), and South Asian in 2 of 30750 chromosomes (freq: 0.00007), while the variant was not observed in the African, Other, Latino, Ashkenazi Jewish, East Asian, or Finnish populations. A classification model for BRCA2 DNA binding domain missense variants based on homology-directed repair activity study shows the variant may disrupt the helical-OB1 interface (Guidugli 2013). The p.Ser2670= variant is not expected to have clinical significance because it does not result in a change of amino acid and is not located in a known consensus splice site. In addition, in silico or computational prediction software programs (SpliceSiteFinder, MaxEntScan, NNSPLICE, GeneSplicer, HumanSpliceFinder) do not predict a difference in splicing. In summary, based on the above information the clinical significance of this variant cannot be determined with certainty at this time although we would lean towards a more benign role for this variant. This variant is classified as likely benign.

Laboratory of Diagnostic Genome Analysis, Leiden University Medical Center (LUMC)
Classification: Likely benign. Review status: no assertion criteria provided. Collection method: clinical testing. Allele origin: germline. Affected: yes. Study: VKGL Data-share Consensus. Not counted in ClinVar's aggregate classification.

Literature cited by the submitters: PubMed 25971625 (cited by 4 submitters); PubMed 34597585 (cited by Quest Diagnostics Nichols Institute San Juan Capistrano); PubMed 23108138 (cited by Quest Diagnostics Nichols Institute San Juan Capistrano); PubMed 28263838 (cited by 4 submitters); DOI 10.3389/fgene.2022.834265 (cited by National Health Laboratory Service, Universitas Academic Hospital and University of the Free State); PubMed 30254663 (cited by Sema4).